The following is an entry in ClinVar:

ClinVar aggregate classification (germline): Uncertain significance. Review status: criteria provided, multiple submitters, no conflicts (2 of 4 stars). 3 submissions from 3 submitters: Uncertain significance (3). Last evaluated 2026-01-01.

Allele frequency attached by ClinVar (database versions not stated): gnomAD exomes 0.00001 and 0.00003; ExAC 0.00002; TOPMed 0.00003; gnomAD 0.00004.
gnomAD v4.1: 43 of 1,590,236 alleles (0.0027%); highest among the groups gnomAD compares: Non-Finnish European, 0.0034%; no homozygotes.

Submissions (3):

Labcorp Genetics (formerly Invitae), Labcorp
Classification: Uncertain significance. Last evaluated: 2026-01-01. Review status: criteria provided, single submitter. Criteria: Invitae Variant Classification Sherloc (09022015). Collection method: clinical testing. Allele origin: germline.
Comment: This sequence change replaces methionine, which is neutral and non-polar, with threonine, which is neutral and polar, at codon 421 of the POLG2 protein (p.Met421Thr). This variant is present in population databases (rs782170612, gnomAD 0.003%). This variant has not been reported in the literature in individuals affected with POLG2-related conditions. ClinVar contains an entry for this variant (Variation ID: 1347542). An algorithm developed to predict the effect of missense changes on protein structure and function (PolyPhen-2) suggests that this variant is likely to be tolerated. In summary, the available evidence is currently insufficient to determine the role of this variant in disease. Therefore, it has been classified as a Variant of Uncertain Significance.

Ambry Genetics
Classification: Uncertain significance. Last evaluated: 2024-08-05. Review status: criteria provided, single submitter. Criteria: Ambry Variant Classification Scheme 2023. Collection method: clinical testing. Allele origin: germline.

GeneDx
Classification: Uncertain significance. Last evaluated: 2023-03-27. Review status: criteria provided, single submitter. Criteria: GeneDx Variant Classification Process June 2021. Collection method: clinical testing. Allele origin: germline. Affected: yes.
Comment: In silico analysis supports that this missense variant does not alter protein structure/function; Has not been previously published as pathogenic or benign to our knowledge

NM_007215.4(POLG2):c.1262T>C (p.Met421Thr)

Genes: MILR1 (mast cell immunoglobulin like receptor 1; plus strand), POLG2 (DNA polymerase gamma 2, accessory subunit; minus strand). Cytogenetic location: 17q23.3.
Variant type: single nucleotide variant.
Coding change: c.1262T>C on transcript NM_007215.4 (MANE Select); coding-DNA position 1262, T replaced by C.
Protein change: p.Met421Thr; replaces methionine 421 with threonine.
Molecular consequence: missense variant.
Genome position (GRCh38, 1-based): chr17:64,480,319, A>G on the plus strand (T>C on the coding strand, the complement: POLG2 is on the minus strand). VCF-style: chr17-64480319-A-G. GRCh37 (hg19) VCF-style: chr17-62476436-A-G.
Other names: c.1262T>C (NM_007215.3); short protein forms M421T.
Identifiers: ClinVar variation 1347542 (VCV001347542.9), dbSNP rs782170612, ClinGen allele CA8712790.